The following is an entry in ClinVar:

ClinVar aggregate classification (germline): Uncertain significance (1 of 4 stars; one submission).

Allele frequency attached by ClinVar (database versions not stated): gnomAD exomes below 0.00001.
gnomAD v4.1: 2 of 1,567,810 alleles (0.00013%); highest among the groups gnomAD compares: Non-Finnish European, 0.00018%; no homozygotes.

Submission:

Labcorp Genetics (formerly Invitae), Labcorp
Classification: Uncertain significance. Last evaluated: 2022-06-28. Review status: criteria provided, single submitter. Criteria: Invitae Variant Classification Sherloc (09022015). Collection method: clinical testing. Allele origin: germline.
Comment: This sequence change falls in intron 7 of the MECOM gene. It does not directly change the encoded amino acid sequence of the MECOM protein. This variant is not present in population databases (gnomAD no frequency). This variant has not been reported in the literature in individuals affected with MECOM-related conditions. Algorithms developed to predict the effect of sequence changes on RNA splicing suggest that this variant may disrupt the consensus splice site. In summary, the available evidence is currently insufficient to determine the role of this variant in disease. Therefore, it has been classified as a Variant of Uncertain Significance.

NM_004991.4(MECOM):c.2490-20A>G

Gene: MECOM (MDS1 and EVI1 complex locus; minus strand). Cytogenetic location: 3q26.2.
Variant type: single nucleotide variant.
Coding change: c.2490-20A>G on transcript NM_004991.4 (MANE Select); 20 bases into the intron before coding-DNA position 2490, A replaced by G.
Molecular consequence: intron variant.
Genome position (GRCh38, 1-based): chr3:169,112,894, T>C on the plus strand (A>G on the coding strand, the complement: MECOM is on the minus strand). VCF-style: chr3-169112894-T-C. GRCh37 (hg19) VCF-style: chr3-168830682-T-C.
Other names: c.1926-20A>G (NM_001205194.2, NM_001164000.2, NM_001366469.2 and 4 more transcripts); c.1518-20A>G (NM_001366473.2); c.2490-20A>G (NM_001366466.2); c.954-20A>G (NM_001366474.2); c.1929-20A>G (NM_001366470.2, NM_001366467.2, NM_001366468.2 and 1 more transcripts); c.2121-20A>G (NM_001105077.4).
Identifiers: ClinVar variation 1998326 (VCV001998326.4), dbSNP rs2549380749, ClinGen allele CA2580069054.